The following is an entry in ClinVar:

ClinVar aggregate classification (germline): Uncertain significance. Review status: criteria provided, multiple submitters, no conflicts (2 of 4 stars). 2 submissions from 2 submitters: Uncertain significance (2). Last evaluated 2025-02-20.

Conditions:
Hereditary cancer-predisposing syndrome. Also called: Neoplastic Syndromes, Hereditary; Hereditary Cancer Syndrome; Hereditary neoplastic syndrome; Tumor predisposition. Identifiers: Orphanet 140162, MedGen C0027672, MeSH D009386, MONDO:0015356.

Submissions (2):

Quest Diagnostics Nichols Institute San Juan Capistrano
Classification: Uncertain significance. Last evaluated: 2025-02-20. Review status: criteria provided, single submitter. Criteria: Quest Diagnostics criteria. Collection method: clinical testing. Allele origin: unknown.
Comment: The RAD50 c.52G>A (p.Glu18Lys) variant has not been reported in individuals with RAD50-related conditions in the published literature. It also has not been reported in large, multi-ethnic general populations (Genome Aggregation Database). Analysis of this variant using bioinformatics tools for the prediction of the effect of amino acid changes on protein structure and function yielded predictions that this variant is damaging. Based on the available information, we are unable to determine the clinical significance of this variant.

Labcorp Genetics (formerly Invitae), Labcorp
Classification: Uncertain significance for Hereditary cancer-predisposing syndrome. Last evaluated: 2020-03-06. Review status: criteria provided, single submitter. Criteria: Invitae Variant Classification Sherloc (09022015). Collection method: clinical testing. Allele origin: germline.
Comment: This sequence change replaces glutamic acid with lysine at codon 18 of the RAD50 protein (p.Glu18Lys). The glutamic acid residue is moderately conserved and there is a small physicochemical difference between glutamic acid and lysine. This variant is not present in population databases (ExAC no frequency). This variant has not been reported in the literature in individuals with RAD50-related conditions. Algorithms developed to predict the effect of missense changes on protein structure and function are either unavailable or do not agree on the potential impact of this missense change (SIFT: "Tolerated"; PolyPhen-2: "Probably Damaging"; Align-GVGD: "Class C0"). In summary, the available evidence is currently insufficient to determine the role of this variant in disease. Therefore, it has been classified as a Variant of Uncertain Significance.

NM_005732.4(RAD50):c.52G>A (p.Glu18Lys)

Gene: RAD50 (RAD50 double strand break repair protein; plus strand). Cytogenetic location: 5q31.1.
Variant type: single nucleotide variant.
Coding change: c.52G>A on transcript NM_005732.4 (MANE Select); coding-DNA position 52, G replaced by A.
Protein change: p.Glu18Lys; replaces glutamic acid 18 with lysine.
Molecular consequence: missense variant.
Genome position (GRCh38, 1-based): chr5:132,557,376, G>A. VCF-style: chr5-132557376-G-A. GRCh37 (hg19) VCF-style: chr5-131893068-G-A.
Other names: c.52G>A (NM_005732.3); short protein forms E18K.
Identifiers: ClinVar variation 1058206 (VCV001058206.10), dbSNP rs1449159448, ClinGen allele CA360951069.